The following is an entry in ClinVar:

NM_017775.4(TTC19):c.988C>G (p.His330Asp)

Gene: TTC19 (tetratricopeptide repeat domain 19; plus strand). Cytogenetic location: 17p12.
Variant type: single nucleotide variant.
Coding change: c.988C>G on transcript NM_017775.4 (MANE Select); coding-DNA position 988, C replaced by G.
Protein change: p.His330Asp; replaces histidine 330 with aspartic acid.
Molecular consequence: missense variant.
Genome position (GRCh38, 1-based): chr17:16,026,696, C>G. VCF-style: chr17-16026696-C-G. GRCh37 (hg19) VCF-style: chr17-15930010-C-G.
Other names: c.667C>G, p.His223Asp (NM_001271420.2); short protein forms H330D, H223D.
Identifiers: ClinVar variation 1028053 (VCV001028053.1), dbSNP rs1971572630, ClinGen allele CA398377901.

ClinVar aggregate classification (germline): Uncertain significance (1 of 4 stars; one submission).

Conditions:
Mitochondrial complex III deficiency nuclear type 2. Identifiers: MedGen C3554605, MONDO:0014063, OMIM 615157.

Submission:

Baylor Genetics
Classification: Uncertain significance for Mitochondrial complex III deficiency nuclear type 2. Last evaluated: 2020-09-17. Review status: criteria provided, single submitter. Criteria: ACMG Guidelines, 2015. Collection method: clinical testing. Allele origin: unknown. Affected: yes.
Comment: This variant was determined to be of uncertain significance according to ACMG Guidelines, 2015 [PMID:25741868].